The following is an entry in ClinVar:

NM_014208.3(DSPP):c.382G>T (p.Glu128Ter)

Genes: DMP1-AS1 (DMP1 and DSPP antisense RNA 1; minus strand), DSPP (dentin sialophosphoprotein; plus strand). Cytogenetic location: 4q22.1.
Variant type: single nucleotide variant.
Coding change: c.382G>T on transcript NM_014208.3 (MANE Select); coding-DNA position 382, G replaced by T.
Protein change: p.Glu128Ter; replaces glutamic acid 128 with a stop codon.
Molecular consequence: nonsense.
Genome position (GRCh38, 1-based): chr4:87,612,568, G>T. VCF-style: chr4-87612568-G-T. GRCh37 (hg19) VCF-style: chr4-88533720-G-T.
Other names: short protein forms E128*.
Identifiers: ClinVar variation 2852975 (VCV002852975.3), dbSNP rs2475880829, ClinGen allele CA357603444.

ClinVar aggregate classification (germline): Uncertain significance (1 of 4 stars; one submission).

Allele frequency attached by ClinVar (database versions not stated): gnomAD exomes below 0.00001.

Submission:

Labcorp Genetics (formerly Invitae), Labcorp
Classification: Uncertain significance. Last evaluated: 2023-07-14. Review status: criteria provided, single submitter. Criteria: Invitae Variant Classification Sherloc (09022015). Collection method: clinical testing. Allele origin: germline.
Comment: In summary, the available evidence is currently insufficient to determine the role of this variant in disease. Therefore, it has been classified as a Variant of Uncertain Significance. This variant has not been reported in the literature in individuals affected with DSPP-related conditions. This variant is not present in population databases (gnomAD no frequency). This sequence change creates a premature translational stop signal (p.Glu128*) in the DSPP gene. It is expected to result in an absent or disrupted protein product. However, the current clinical and genetic evidence is not sufficient to establish whether loss-of-function variants in DSPP cause disease.